The following is an entry in ClinVar:

ClinVar aggregate classification (germline): Uncertain significance (1 of 4 stars; one submission).
ClinVar aggregate classification (oncogenicity): Likely oncogenic (0 of 4 stars; one submission).

Conditions:
Gastrointestinal stromal tumor. Also called: Gastrointestinal stromal tumor, somatic; Gastrointestinal stroma tumor. Identifiers: Orphanet 44890, MedGen C0238198, MeSH D046152, MONDO:0011719, OMIM 606764, HP:0100723.

Submissions (2):

Labcorp Genetics (formerly Invitae), Labcorp
Classification: Uncertain significance for Gastrointestinal stromal tumor. Last evaluated: 2022-06-29. Review status: criteria provided, single submitter. Criteria: Invitae Variant Classification Sherloc (09022015). Collection method: clinical testing. Allele origin: germline.
Comment: This sequence change replaces tryptophan, which is neutral and slightly polar, with glycine, which is neutral and non-polar, at codon 557 of the KIT protein (p.Trp557Gly). This variant is not present in population databases (gnomAD no frequency). This missense change has been observed in individual(s) with clinical features of gastrointestinal stromal tumor syndrome (PMID: 16751810). ClinVar contains an entry for this variant (Variation ID: 376732). Algorithms developed to predict the effect of missense changes on protein structure and function (SIFT, PolyPhen-2, Align-GVGD) all suggest that this variant is likely to be disruptive. Experimental studies have shown that this missense change affects KIT function (PMID: 23567324). This variant disrupts the p.Trp557 amino acid residue in KIT. Other variant(s) that disrupt this residue have been determined to be pathogenic (PMID: 10680913, 14977822). This suggests that this residue is clinically significant, and that variants that disrupt this residue are likely to be disease-causing. In summary, the available evidence is currently insufficient to determine the role of this variant in disease. Therefore, it has been classified as a Variant of Uncertain Significance.

National Institute of Cancer Research, National Health Research Institutes
Classification: Likely oncogenic for Gastrointestinal stromal tumor. Review status: no assertion criteria provided. Collection method: research. Allele origin: somatic. Affected: yes. Observed: 4 variant alleles.
Comment: the literature

Literature cited by the submitters: PubMed 16751810 (cited by Labcorp Genetics (formerly Invitae), Labcorp); PubMed 23567324 (cited by Labcorp Genetics (formerly Invitae), Labcorp); PubMed 10680913 (cited by Labcorp Genetics (formerly Invitae), Labcorp); PubMed 14977822 (cited by Labcorp Genetics (formerly Invitae), Labcorp).

NM_000222.3(KIT):c.1669T>G (p.Trp557Gly)

Gene: KIT (KIT proto-oncogene, receptor tyrosine kinase; plus strand). Cytogenetic location: 4q12.
Variant type: single nucleotide variant.
Coding change: c.1669T>G on transcript NM_000222.3 (MANE Select); coding-DNA position 1669, T replaced by G.
Protein change: p.Trp557Gly; replaces tryptophan 557 with glycine.
Molecular consequence: missense variant.
Genome position (GRCh38, 1-based): chr4:54,727,437, T>G. VCF-style: chr4-54727437-T-G. GRCh37 (hg19) VCF-style: chr4-55593603-T-G.
Other names: c.1657T>G, p.Trp553Gly (NM_001093772.2, NM_001385286.1); c.1672T>G, p.Trp558Gly (NM_001385284.1, NM_001385290.1); c.1669T>G, p.Trp557Gly (NM_001385285.1); c.1660T>G, p.Trp554Gly (NM_001385288.1, NM_001385292.1); short protein forms W557G, W553G, W554G, W558G.
Identifiers: ClinVar variation 376732 (VCV000376732.7), dbSNP rs121913235, ClinGen allele CA16603140.
Genomic context (GRCh38, chr4:54,727,437, plus strand): 5'-TTATTAAAAGGTGATCTATTTTTCCCTTTCTCCCCACAGAAACCCATGTATGAAGTACAG[T>G]GGAAGGTTGTTGAGGAGATAAATGGAAACAATTATGTTTACATAGACCCAACACAACTTC-3'
Protein context (NP_000213.1, residues 547-567): YLQKPMYEVQ[Trp557Gly]KVVEEINGNN